The following is an entry in ClinVar:

NM_001040142.2(SCN2A):c.3026G>A (p.Arg1009Lys)

Gene: SCN2A (sodium voltage-gated channel alpha subunit 2; plus strand). Cytogenetic location: 2q24.3.
Variant type: single nucleotide variant.
Coding change: c.3026G>A on transcript NM_001040142.2 (MANE Select); coding-DNA position 3026, G replaced by A.
Protein change: p.Arg1009Lys; replaces arginine 1009 with lysine.
Molecular consequence: missense variant.
Genome position (GRCh38, 1-based): chr2:165,354,298, G>A. VCF-style: chr2-165354298-G-A. GRCh37 (hg19) VCF-style: chr2-166210808-G-A.
Other names: c.3026G>A, p.Arg1009Lys (NM_001040143.2, NM_001371246.1, NM_001371247.1 and 1 more transcripts); short protein forms R1009K.
Identifiers: ClinVar variation 1696892 (VCV001696892.4), dbSNP rs1325204872, ClinGen allele CA349019762.
Genomic context (GRCh38, chr2:165,354,298, plus strand): 5'-ACAATCTTGCTGCCACTGATGATGATAACGAAATGAATAATCTCCAGATTGCTGTGGGAA[G>A]GATGCAGAAAGGAATCGATTTTGTTAAAAGAAAAATACGTGAATTTATTCAGAAAGCCTT-3'
Protein context (NP_001035232.1, residues 999-1019): EMNNLQIAVG[Arg1009Lys]MQKGIDFVKR

ClinVar aggregate classification (germline): Uncertain significance (1 of 4 stars; one submission).

Allele frequency attached by ClinVar (database versions not stated): gnomAD exomes below 0.00001; gnomAD 0.00001; TOPMed 0.00001.
gnomAD v4.1: 4 of 1,613,950 alleles (0.00025%); highest among the groups gnomAD compares: African/African-American, 0.0013%; no homozygotes.

Submission:

GeneDx
Classification: Uncertain significance. Last evaluated: 2024-04-08. Review status: criteria provided, single submitter. Criteria: GeneDx Variant Classification Process June 2021. Collection method: clinical testing. Allele origin: germline. Affected: yes.
Comment: Not observed at significant frequency in large population cohorts (gnomAD); In silico analysis supports that this missense variant has a deleterious effect on protein structure/function; This substitution is predicted to be in the cytoplasmic loop between the second and third homologous domains; Has not been previously published as pathogenic or benign to our knowledge